The following is an entry in ClinVar:

NM_032383.5(HPS3):c.1817T>A (p.Leu606Ter)

Gene: HPS3 (HPS3 biogenesis of lysosomal organelles complex 2 subunit 1; plus strand). Cytogenetic location: 3q24.
Variant type: single nucleotide variant.
Coding change: c.1817T>A on transcript NM_032383.5 (MANE Select); coding-DNA position 1817, T replaced by A.
Protein change: p.Leu606Ter; replaces leucine 606 with a stop codon.
Molecular consequence: nonsense.
Genome position (GRCh38, 1-based): chr3:149,158,791, T>A. VCF-style: chr3-149158791-T-A. GRCh37 (hg19) VCF-style: chr3-148876578-T-A.
Other names: c.1322T>A, p.Leu441Ter (NM_001308258.2); short protein forms L441*, L606*.
Identifiers: ClinVar variation 5011732 (VCV005011732.1).

ClinVar aggregate classification (germline): Pathogenic (1 of 4 stars; one submission).

Conditions:
Hermansky-Pudlak syndrome 3 (HPS3). Identifiers: Orphanet 231512, Orphanet 79430, MedGen C3888001, MONDO:0013555, OMIM 614072.

Submission:

Myriad Genetics, Inc.
Classification: Pathogenic for Hermansky-Pudlak syndrome 3. Last evaluated: 2023-09-24. Review status: criteria provided, single submitter. Criteria: Myriad Autosomal Dominant, Autosomal Recessive and X-Linked Classification Criteria (2023). Collection method: clinical testing. Allele origin: unknown.
Comment: NM_032383.3(HPS3):c.1817T>A(L606*) is expected to be pathogenic in the context of Hermansky-Pudlak syndrome, HPS3-related. This variant is predicted to lead to an abnormal or absent protein product due to the creation of a premature termination codon in HPS3, a gene where loss-of-function variants are known to be pathogenic. Please note: this variant was assessed in the context of healthy population screening.